The following is an entry in ClinVar:

ClinVar aggregate classification (germline): Conflicting classifications of pathogenicity. Review status: criteria provided, conflicting classifications (1 of 4 stars). 2 submissions from 2 submitters: Uncertain significance (1); Likely benign (1). Last evaluated 2023-03-23.

Conditions:
Hereditary cancer-predisposing syndrome. Also called: Hereditary Cancer Syndrome; Hereditary neoplastic syndrome; Neoplastic Syndromes, Hereditary; Tumor predisposition. Identifiers: Orphanet 140162, MedGen C0027672, MeSH D009386, MONDO:0015356.

Submissions (2):

University of Washington Department of Laboratory Medicine, University of Washington
Classification: Likely benign for Hereditary cancer-predisposing syndrome. Last evaluated: 2023-03-23. Review status: criteria provided, single submitter. Criteria: Dines et al. (Genet Med. 2020). Collection method: curation. Allele origin: germline.
Comment: Missense variant in a coldspot region where missense variants are very unlikely to be pathogenic (PMID:31911673).

BRCA2 exon 11 coldspot. Reclassification based on statistical prior probability.

Ambry Genetics
Classification: Uncertain significance for Hereditary cancer-predisposing syndrome. Last evaluated: 2019-12-16. Review status: criteria provided, single submitter. Criteria: Ambry Variant Classification Scheme 2023. Collection method: clinical testing. Allele origin: germline.
Comment: The p.L1604V variant (also known as c.4810C>G), located in coding exon 10 of the BRCA2 gene, results from a C to G substitution at nucleotide position 4810. The leucine at codon 1604 is replaced by valine, an amino acid with highly similar properties. This amino acid position is poorly conserved in available vertebrate species. In addition, this alteration is predicted to be tolerated by in silico analysis. Since supporting evidence is limited at this time, the clinical significance of this alteration remains unclear.

NM_000059.4(BRCA2):c.4810C>G (p.Leu1604Val)

Gene: BRCA2 (BRCA2 DNA repair associated; plus strand). Cytogenetic location: 13q13.1.
Variant type: single nucleotide variant.
Coding change: c.4810C>G on transcript NM_000059.4 (MANE Select); coding-DNA position 4810, C replaced by G.
Protein change: p.Leu1604Val; replaces leucine 1604 with valine.
Molecular consequence: missense variant.
Genome position (GRCh38, 1-based): chr13:32,339,165, C>G. VCF-style: chr13-32339165-C-G. GRCh37 (hg19) VCF-style: chr13-32913302-C-G.
Other names: short protein forms L1604V.
Identifiers: ClinVar variation 441492 (VCV000441492.7), dbSNP rs773591333, ClinGen allele CA387783279.